The following is an entry in ClinVar:

ClinVar aggregate classification (germline): Benign/Likely benign. Review status: criteria provided, multiple submitters, no conflicts (2 of 4 stars). 8 submissions from 8 submitters: Benign (2); Likely benign (5). 1 of the submissions does not count toward it. Last evaluated 2025-05-02.

Conditions:
Polycystic kidney disease. Also called: Kidney, Polycystic; Polycystic kidney dysplasia. Identifiers: MedGen C0022680, MeSH D007690, MONDO:0020642, HP:0000113.

Allele frequency attached by ClinVar (database versions not stated): TOPMed 0.00064; gnomAD 0.00073 and 0.00078; ESP Exome Variant Server 0.00077; gnomAD exomes 0.00095 and 0.00128; ExAC 0.00247.
gnomAD v4.1: 1,511 of 1,606,412 alleles (0.094%); highest among the groups gnomAD compares: Non-Finnish European, 0.11%; 2 homozygotes.

Submissions (8):

Women's Health and Genetics/Laboratory Corporation of America, LabCorp
Classification: Likely benign. Last evaluated: 2025-05-02. Review status: criteria provided, single submitter. Criteria: LabCorp Variant Classification Summary - May 2015. Collection method: clinical testing. Allele origin: germline.
Comment: Variant summary: PKD1 c.10531C>G (p.Leu3511Val) results in a conservative amino acid change in the encoded protein sequence. Five of five in-silico tools predict a benign effect of the variant on protein function. The variant allele was found at a frequency of 0.0013 in 235768 control chromosomes, predominantly at a frequency of 0.0023 within the Non-Finnish European subpopulation in the gnomAD database, including 1 homozygotes. This frequency is not significantly higher than estimated for a pathogenic variant in PKD1 causing PKD1-Biallelic Autosomal Recessive Polycystic Kidney Disease, allowing no conclusion about variant significance. c.10531C>G has been observed in individual(s) affected with Polycystic Kidney Disease as well as in the control cohort, and was evaluated as a benign change (Peral_1997). These report(s) do not provide unequivocal conclusions about association of the variant with PKD1-Biallelic Autosomal Recessive Polycystic Kidney Disease. To our knowledge, no experimental evidence demonstrating an impact on protein function has been reported. The following publication has been ascertained in the context of this evaluation (PMID: 9199561). ClinVar contains an entry for this variant (Variation ID: 256892). Based on the evidence outlined above, the variant was classified as likely benign.

CeGaT Center for Human Genetics Tuebingen
Classification: Likely benign. Last evaluated: 2025-05-01. Review status: criteria provided, single submitter. Criteria: CeGaT Center For Human Genetics Tuebingen Variant Classification Criteria Version 2. Collection method: clinical testing. Allele origin: germline. Affected: yes. Observed: 2 variant alleles.
Comment: PKD1: BP4, BS1

Blueprint Genetics
Classification: Likely benign. Last evaluated: 2024-10-16. Review status: criteria provided, single submitter. Criteria: ACMG Guidelines, 2015. Collection method: clinical testing. Allele origin: germline.

Athena Diagnostics
Classification: Benign. Last evaluated: 2024-07-05. Review status: criteria provided, single submitter. Criteria: Athena Diagnostics Criteria. Collection method: clinical testing. Allele origin: unknown.

Mayo Clinic Laboratories, Mayo Clinic
Classification: Benign. Last evaluated: 2024-03-19. Review status: criteria provided, single submitter. Criteria: ACMG Guidelines, 2015. Collection method: clinical testing. Allele origin: germline. Observed: 2 variant alleles.
Comment: BS1, BP4_strong

GeneDx
Classification: Likely benign. Last evaluated: 2020-11-03. Review status: criteria provided, single submitter. Criteria: GeneDx Variant Classification Process June 2021. Collection method: clinical testing. Allele origin: germline. Affected: yes.
Comment: This variant is associated with the following publications: (PMID: 22383692, 9199561)

PreventionGenetics, part of Exact Sciences
Classification: Likely benign. Review status: criteria provided, single submitter. Criteria: ACMG Guidelines, 2015. Collection method: clinical testing. Allele origin: germline.

Department of Pathology and Laboratory Medicine, Sinai Health System
Classification: Likely benign for Polycystic Kidney disease. Review status: no assertion criteria provided. Collection method: clinical testing. Allele origin: unknown. Affected: yes. Study: The Canadian Open Genetics Repository (COGR). Not counted in ClinVar's aggregate classification.
Comment: The PKD1 p.Leu3511Val variant was identified in 1 of 460 proband chromosomes (frequency: 0.002) from individuals or families with ADPKD in a validation study analyzing PKD1 and PKD2 genes using next-generation sequencing (Rossetti 2012). The variant was also identified in dbSNP (ID: rs141946034) as â€šÃ„ÃºNAâ€šÃ„Ã¹, ClinVar (classified as likely benign by Prevention Genetics), the ADPKD Mutation Database (classified likely neutral), and PKD1-LOVD 3.0 (unclassified). This variant was also identified in the NHLBI GO Exome Sequencing Project in 9 of 8588 European American alleles (frequency: 0.001), in 1 of 4386 African American alleles (frequency: 0.0002), and the Exome Aggregation Consortium database (August 8, 2016) in 201 (1 homozygous) of 81294 chromosomes (freq. 0.002) in the following populations: Finnish in 16 of 3556 chromosomes (freq. 0.005), European (Non-Finnish) in 184 of 44310 chromosomes (freq. 0.004), and Latino in 1 of 7714 chromosomes (freq. 0.0001), but was not seen in African, East Asian, Other, and South Asian populations, increasing the likelihood that this may be a low frequency benign variant in certain populations of origin. The p.Leu3511 residue is conserved in mammals and lower organisms, except the variant amino acid Val is present in chicken, increasing the likelihood that this variant does not have clinical significance. Computational analyses (PolyPhen-2, SIFT, AlignGVGD, BLOSUM, MutationTaster) do not suggest a high likelihood of impact to the protein. The variant occurs outside of the splicing consensus sequence and 2 of 5 in silico or computational prediction software programs (SpliceSiteFinder, MaxEntScan, NNSPLICE, GeneSplicer, HumanSpliceFinder) predict a greater than 10% difference in splicing. HumanSpliceFinder and MaxEntScan predict an altered 5' splice site in this region and we cannot eliminate the possibility that an exon splice enhancer was modified and may lead to abnormal splicing or creation of a cryptic splice site; this is not very predictive of pathogenicity. In summary, based on the above information, the clinical significance of this variant cannot be determined with certainty at this time although we would lean towards a more benign role for this variant. This variant is classified as likely benign.

Literature cited by the submitters: PubMed 9199561 (cited by 3 submitters); PubMed 15780078 (cited by Athena Diagnostics); PubMed 11115377 (cited by Athena Diagnostics).

NM_001009944.3(PKD1):c.10531C>G (p.Leu3511Val)

Genes: PKD1 (polycystin 1, transient receptor potential channel interacting; minus strand), PKD1-AS1 (PKD1 antisense RNA 1; plus strand). Cytogenetic location: 16p13.3.
Variant type: single nucleotide variant.
Coding change: c.10531C>G on transcript NM_001009944.3 (MANE Select); coding-DNA position 10531, C replaced by G.
Protein change: p.Leu3511Val; replaces leucine 3511 with valine.
Molecular consequence: missense variant.
Genome position (GRCh38, 1-based): chr16:2,094,179, G>C on the plus strand (C>G on the coding strand, the complement: PKD1 is on the minus strand). VCF-style: chr16-2094179-G-C. GRCh37 (hg19) VCF-style: chr16-2144180-G-C.
Other names: c.10528C>G, p.Leu3510Val (NM_000296.4); short protein forms L3511V, L3510V.
Identifiers: ClinVar variation 256892 (VCV000256892.18), dbSNP rs141946034, ClinGen allele CA7829529.